The following is an entry in ClinVar:

ClinVar aggregate classification (germline): Conflicting classifications of pathogenicity. Review status: criteria provided, conflicting classifications (1 of 4 stars). 2 submissions from 2 submitters: Likely pathogenic (1); Uncertain significance (1). Last evaluated 2026-06-16.

Conditions:
Retinitis pigmentosa (RP). Identifiers: Orphanet 791, MedGen C0035334, MeSH D012174, MONDO:0019200, OMIM 268000. Inheritance: Autosomal dominant, autosomal recessive and X linked inheritance.

Submissions (2):

Women's Health and Genetics/Laboratory Corporation of America, LabCorp
Classification: Likely pathogenic for Retinitis pigmentosa. Last evaluated: 2026-06-16. Review status: criteria provided, single submitter. Criteria: LabCorp Variant Classification Summary - May 2015. Collection method: clinical testing. Allele origin: germline.
Comment: Variant summary: ABCA4 c.4667+5G>T alters a nucleotide located close to a canonical splice site and therefore could affect mRNA splicing, leading to a significantly altered protein sequence. Several computational tools predict a significant impact on normal splicing: Two predict the variant weakens a 5' donor site. At least two publications report experimental evidence that this variant affects mRNA splicing and leads to skipping of exon 32 during premRNA splicing (Huang_2022, Corradi_2023). The variant was absent in 248950 control chromosomes (gnomAD). c.4667+5G>T has been observed in individuals affected with ABCA4-related conditions (Huang_2022, Corradi_2023, Matczyska_2024, Charng_2024). These reports do not provide unequivocal conclusions about association of the variant with disease. The following publications have been ascertained in the context of this evaluation (PMID: 37705246, 36209838, 38927562, 39280350). No submitters have cited clinical-significance assessments for this variant to ClinVar. Based on the evidence outlined above, the variant was classified as likely pathogenic.

Blueprint Genetics
Classification: Uncertain significance. Last evaluated: 2023-01-03. Review status: criteria provided, single submitter. Criteria: ACMG Guidelines, 2015. Collection method: clinical testing. Allele origin: germline.

Literature cited by the submitters: PubMed 36209838 (cited by Women's Health and Genetics/Laboratory Corporation of America, LabCorp); PubMed 37705246 (cited by Women's Health and Genetics/Laboratory Corporation of America, LabCorp); PubMed 38927562 (cited by Women's Health and Genetics/Laboratory Corporation of America, LabCorp); PubMed 39280350 (cited by Women's Health and Genetics/Laboratory Corporation of America, LabCorp).

NM_000350.3(ABCA4):c.4667+5G>T

Gene: ABCA4 (ATP binding cassette subfamily A member 4; minus strand). Cytogenetic location: 1p22.1.
Variant type: single nucleotide variant.
Coding change: c.4667+5G>T on transcript NM_000350.3 (MANE Select); 5 bases into the intron after coding-DNA position 4667, G replaced by T.
Molecular consequence: intron variant.
Genome position (GRCh38, 1-based): chr1:94,023,381, C>A on the plus strand (G>T on the coding strand, the complement: ABCA4 is on the minus strand). VCF-style: chr1-94023381-C-A. GRCh37 (hg19) VCF-style: chr1-94488937-C-A.
Other names: c.4445+5G>T (NM_001425324.1).
Identifiers: ClinVar variation 4887205 (VCV004887205.2).